The following is an entry in ClinVar:

ClinVar aggregate classification (germline): Likely benign (1 of 4 stars; one submission).

Allele frequency attached by ClinVar (database versions not stated): 1000 Genomes Project 30x 0.00172; 1000 Genomes Project 0.00180; TOPMed 0.00500; gnomAD 0.00597; ExAC 0.00651; ESP Exome Variant Server 0.00700; gnomAD exomes 0.00774.
gnomAD v4.1: 12,163 of 1,614,030 alleles (0.75%); highest among the groups gnomAD compares: Non-Finnish European, 0.87%; 56 homozygotes.

Submission:

CeGaT Center for Human Genetics Tuebingen
Classification: Likely benign. Last evaluated: 2026-09-01. Review status: criteria provided, single submitter. Criteria: CeGaT Center For Human Genetics Tuebingen Variant Classification Criteria Version 2. Collection method: clinical testing. Allele origin: germline. Affected: yes. Observed: 25 variant alleles.
Comment: ATP9A: BP4, BP7, BS2

NM_006045.3(ATP9A):c.705C>T (p.Phe235=)

Gene: ATP9A (ATPase phospholipid transporting 9A; minus strand). Cytogenetic location: 20q13.2.
Variant type: single nucleotide variant.
Coding change: c.705C>T on transcript NM_006045.3 (MANE Select); coding-DNA position 705, C replaced by T.
Protein change: p.Phe235=; no amino-acid change (phenylalanine 235 retained).
Molecular consequence: synonymous variant.
Genome position (GRCh38, 1-based): chr20:51,690,757, G>A on the plus strand (C>T on the coding strand, the complement: ATP9A is on the minus strand). VCF-style: chr20-51690757-G-A. GRCh37 (hg19) VCF-style: chr20-50307296-G-A.
Identifiers: ClinVar variation 2652409 (VCV002652409.24), dbSNP rs45470394, ClinGen allele CA9911649.
Genomic context (GRCh38, chr20:51,690,757, plus strand): 5'-CACTCCCGGTGACAGGATCCCATGTGAAGGAAGCTCACTTACTCGGGTAAAAGTTCCCAC[G>A]AAGTTGTGAATGTCAATATTTGGCTCTTCTGCGTACACATACGATCGAATCTGAAGAAGG-3'
Protein context (NP_006036.1, residues 225-245): AEEPNIDIHN[Phe235=]VGTFTREDSD